The following is an entry in ClinVar:

NM_000138.5(FBN1):c.6163+1del

Gene: FBN1 (fibrillin 1; minus strand). Cytogenetic location: 15q21.1.
Variant type: Deletion.
Coding change: c.6163+1del on transcript NM_000138.5 (MANE Select); the canonical splice donor site of the intron after coding-DNA position 6163, one base deleted (G; older notation c.6163+1delG).
Molecular consequence: splice donor variant.
Genome position (GRCh38, 1-based): chr15:48,441,720, C deleted on the plus strand (G on the coding strand, the reverse complement: FBN1 is on the minus strand); the first of 2 consecutive C bases (chr15:48,441,720-48,441,721); deleting either gives the same sequence. VCF-style (leftmost placement, unchanged base first): chr15-48441719-AC-A. GRCh37 (hg19) VCF-style: chr15-48733916-AC-A.
Other names: c.6163+1del (NM_001406716.1).
Identifiers: ClinVar variation 3338878 (VCV003338878.2).

ClinVar aggregate classification (germline): Likely pathogenic (1 of 4 stars; one submission).

Submission:

GeneDx
Classification: Likely pathogenic. Last evaluated: 2026-02-24. Review status: criteria provided, single submitter. Criteria: GeneDx Variant Classification Process June 2021. Collection method: clinical testing. Allele origin: germline. Affected: yes.
Comment: Canonical splice site variant predicted to result in an in-frame loss of the adjacent exon in a gene for which loss of function is a known mechanism of disease; Not observed at significant frequency in large population cohorts (gnomAD); Deletions involving coding exons of this gene are a known mechanism of disease (HGMD); This variant is associated with the following publications: (PMID: 12068374)